The following is an entry in ClinVar:

NM_138386.3(NAF1):c.784A>G (p.Ile262Val)

Gene: NAF1 (nuclear assembly factor 1 ribonucleoprotein; minus strand). Cytogenetic location: 4q32.2.
Variant type: single nucleotide variant.
Coding change: c.784A>G on transcript NM_138386.3 (MANE Select); coding-DNA position 784, A replaced by G.
Protein change: p.Ile262Val; replaces isoleucine 262 with valine.
Molecular consequence: missense variant.
Genome position (GRCh38, 1-based): chr4:163,140,317, T>C on the plus strand (A>G on the coding strand, the complement: NAF1 is on the minus strand). VCF-style: chr4-163140317-T-C. GRCh37 (hg19) VCF-style: chr4-164061469-T-C.
Other names: c.784A>G, p.Ile262Val (NM_001128931.2); short protein forms I262V.
Identifiers: ClinVar variation 2001426 (VCV002001426.4), dbSNP rs2477209962, ClinGen allele CA358664112.

ClinVar aggregate classification (germline): Uncertain significance (1 of 4 stars; one submission).

Submission:

Labcorp Genetics (formerly Invitae), Labcorp
Classification: Uncertain significance. Last evaluated: 2022-09-06. Review status: criteria provided, single submitter. Criteria: Invitae Variant Classification Sherloc (09022015). Collection method: clinical testing. Allele origin: germline.
Comment: Algorithms developed to predict the effect of missense changes on protein structure and function output the following: SIFT: "Tolerated"; PolyPhen-2: "Benign"; Align-GVGD: "Class C0". The valine amino acid residue is found in multiple mammalian species, which suggests that this missense change does not adversely affect protein function. In summary, the available evidence is currently insufficient to determine the role of this variant in disease. Therefore, it has been classified as a Variant of Uncertain Significance. This variant has not been reported in the literature in individuals affected with NAF1-related conditions. This variant is not present in population databases (gnomAD no frequency). This sequence change replaces isoleucine, which is neutral and non-polar, with valine, which is neutral and non-polar, at codon 262 of the NAF1 protein (p.Ile262Val).